The following is an entry in ClinVar:

NM_014208.3(DSPP):c.3015T>C (p.Asp1005=)

Genes: DMP1-AS1 (DMP1 and DSPP antisense RNA 1; minus strand), DSPP (dentin sialophosphoprotein; plus strand). Cytogenetic location: 4q22.1.
Variant type: single nucleotide variant.
Coding change: c.3015T>C on transcript NM_014208.3 (MANE Select); coding-DNA position 3015, T replaced by C.
Protein change: p.Asp1005=; no amino-acid change (aspartic acid 1005 retained).
Molecular consequence: synonymous variant.
Genome position (GRCh38, 1-based): chr4:87,615,677, T>C. VCF-style: chr4-87615677-T-C. GRCh37 (hg19) VCF-style: chr4-88536829-T-C.
Identifiers: ClinVar variation 3388066 (VCV003388066.15).

ClinVar aggregate classification (germline): Likely benign. Review status: criteria provided, multiple submitters, no conflicts (2 of 4 stars). 2 submissions from 2 submitters: Likely benign (2). Last evaluated 2025-07-01.

Submissions (2):

CeGaT Center for Human Genetics Tuebingen
Classification: Likely benign. Last evaluated: 2025-07-01. Review status: criteria provided, single submitter. Criteria: CeGaT Center For Human Genetics Tuebingen Variant Classification Criteria Version 2. Collection method: clinical testing. Allele origin: germline. Affected: yes. Observed: 2 variant alleles.
Comment: DSPP: BP4, BP7

Blueprint Genetics
Classification: Likely benign. Last evaluated: 2023-02-23. Review status: criteria provided, single submitter. Criteria: ACMG Guidelines, 2015. Collection method: clinical testing. Allele origin: germline.